The following is an entry in ClinVar:

NC_000023.11:g.(?_107628619)_(108696388_?)del

Genes: ATG4A (autophagy related 4A cysteine peptidase; plus strand), COL4A5 (collagen type IV alpha 5 chain; plus strand), COL4A6 (collagen type IV alpha 6 chain; minus strand), MID2 (midline 2; plus strand), PRPS1 (phosphoribosyl pyrophosphate synthetase 1; plus strand) and 4 more. Cytogenetic location: Xq22.3.
Variant type: Deletion.
Identifiers: ClinVar variation 832248 (VCV000832248.1).

ClinVar aggregate classification (germline): Pathogenic (1 of 4 stars; one submission).

Submission:

Labcorp Genetics (formerly Invitae), Labcorp
Classification: Pathogenic. Last evaluated: 2019-04-05. Review status: criteria provided, single submitter. Criteria: Invitae Variant Classification Sherloc (09022015). Collection method: clinical testing. Allele origin: germline.
Comment: A gross deletion of the genomic region encompassing the full coding sequence of the COL4A5 gene has been identified. The boundaries of this event are unknown as the deletion extends beyond the assayed region for this gene and therefore may encompass additional genes. Loss-of-function variants in COL4A5 are known to be pathogenic (PMID: 9195222, 10752524, 14514738, 24854265, 26809805). For these reasons, this variant has been classified as Pathogenic.

Literature cited by the submitters: PubMed 18584212.